The following is an entry in ClinVar:

ClinVar aggregate classification (germline): Likely benign. Review status: criteria provided, multiple submitters, no conflicts (2 of 4 stars). 2 submissions from 2 submitters: Likely benign (2). Last evaluated 2026-01-06.

Allele frequency attached by ClinVar (database versions not stated): gnomAD exomes 0.00002; TOPMed 0.00002; gnomAD 0.00004; ESP Exome Variant Server 0.00008.
gnomAD v4.1: 38 of 1,614,214 alleles (0.0024%); highest among the groups gnomAD compares: Middle Eastern, 0.12%; 1 homozygote.

Submissions (2):

Labcorp Genetics (formerly Invitae), Labcorp
Classification: Likely benign. Last evaluated: 2026-01-06. Review status: criteria provided, single submitter. Criteria: Invitae Variant Classification Sherloc (09022015). Collection method: clinical testing. Allele origin: germline.

CeGaT Center for Human Genetics Tuebingen
Classification: Likely benign. Last evaluated: 2022-12-01. Review status: criteria provided, single submitter. Criteria: CeGaT Center For Human Genetics Tuebingen Variant Classification Criteria Version 2. Collection method: clinical testing. Allele origin: germline. Affected: yes. Observed: 1 variant allele.
Comment: RFWD3: BP4, BP7

NM_018124.4(RFWD3):c.1008C>T (p.His336=)

Gene: RFWD3 (ring finger and WD repeat domain 3; minus strand). Cytogenetic location: 16q23.1.
Variant type: single nucleotide variant.
Coding change: c.1008C>T on transcript NM_018124.4 (MANE Select); coding-DNA position 1008, C replaced by T.
Protein change: p.His336=; no amino-acid change (histidine 336 retained).
Molecular consequence: synonymous variant.
Genome position (GRCh38, 1-based): chr16:74,644,433, G>A on the plus strand (C>T on the coding strand, the complement: RFWD3 is on the minus strand). VCF-style: chr16-74644433-G-A. GRCh37 (hg19) VCF-style: chr16-74678331-G-A.
Other names: c.1008C>T, p.His336= (NM_001370536.1, NM_001370534.1, NM_001370535.1); c.174C>T, p.His58= (NM_001370537.1, NM_001370539.1, NM_001370540.1 and 3 more transcripts).
Identifiers: ClinVar variation 2646857 (VCV002646857.27), dbSNP rs143069050, ClinGen allele CA8169367.
Genomic context (GRCh38, chr16:74,644,433, plus strand): 5'-CTCCTGTTCACTAGTGTCCAAAGCTCTCAGGGTTCGGGCATAAAGGACGACAATGTCACT[G>A]TGCCTGGCTTTCTTGTTGCACTAAAGAACCCAATAGGACATAATTAGAGTGGTTCTAGGA-3'
Protein context (NP_060594.3, residues 326-346): KCPQCNKKAR[His336=]SDIVVLYART